The following is an entry in ClinVar:

NM_015450.3(POT1):c.1492A>G (p.Ile498Val)

Gene: POT1 (protection of telomeres 1; minus strand). Cytogenetic location: 7q31.33.
Variant type: single nucleotide variant.
Coding change: c.1492A>G on transcript NM_015450.3 (MANE Select); coding-DNA position 1492, A replaced by G.
Protein change: p.Ile498Val; replaces isoleucine 498 with valine.
Molecular consequence: missense variant. On other transcripts: non-coding transcript variant (3).
Genome position (GRCh38, 1-based): chr7:124,835,292, T>C on the plus strand (A>G on the coding strand, the complement: POT1 is on the minus strand). VCF-style: chr7-124835292-T-C. GRCh37 (hg19) VCF-style: chr7-124475346-T-C.
Other names: c.1099A>G, p.Ile367Val (NM_001042594.2); short protein forms I498V, I367V.
Identifiers: ClinVar variation 576794 (VCV000576794.11), dbSNP rs367607560, ClinGen allele CA4465110.

ClinVar aggregate classification (germline): Conflicting classifications of pathogenicity. Review status: criteria provided, conflicting classifications (1 of 4 stars). 2 submissions from 2 submitters: Uncertain significance (1); Likely benign (1). Last evaluated 2025-04-30.

Conditions:
Tumor predisposition syndrome 3 (TPDS3). Also called: Melanoma, cutaneous malignant, susceptibility to, 10; LONG TELOMERE SYNDROME, POT1-RELATED; POT1 Tumor Predisposition; Glioma susceptibility 9. Identifiers: Orphanet 618, MedGen C4014476, MONDO:0014368, OMIM 615848.
Hereditary cancer-predisposing syndrome. Also called: Tumor predisposition; Neoplastic Syndromes, Hereditary; Hereditary neoplastic syndrome; Hereditary Cancer Syndrome. Identifiers: Orphanet 140162, MedGen C0027672, MeSH D009386, MONDO:0015356.

Allele frequency attached by ClinVar (database versions not stated): TOPMed below 0.00001; gnomAD 0.00001; gnomAD exomes 0.00001; ExAC 0.00002; ESP Exome Variant Server 0.00015.
gnomAD v4.1: 16 of 1,613,810 alleles (0.00099%); highest among the groups gnomAD compares: Middle Eastern, 0.016%; no homozygotes.

Submissions (2):

Labcorp Genetics (formerly Invitae), Labcorp
Classification: Uncertain significance for Tumor predisposition syndrome 3. Last evaluated: 2025-04-30. Review status: criteria provided, single submitter. Criteria: Invitae Variant Classification Sherloc (09022015). Collection method: clinical testing. Allele origin: germline.
Comment: This sequence change replaces isoleucine, which is neutral and non-polar, with valine, which is neutral and non-polar, at codon 498 of the POT1 protein (p.Ile498Val). This variant is present in population databases (rs367607560, gnomAD 0.007%). This variant has not been reported in the literature in individuals affected with POT1-related conditions. ClinVar contains an entry for this variant (Variation ID: 576794). Invitae Evidence Modeling of protein sequence and biophysical properties (such as structural, functional, and spatial information, amino acid conservation, physicochemical variation, residue mobility, and thermodynamic stability) indicates that this missense variant is not expected to disrupt POT1 protein function with a negative predictive value of 80%. In summary, the available evidence is currently insufficient to determine the role of this variant in disease. Therefore, it has been classified as a Variant of Uncertain Significance.

Ambry Genetics
Classification: Likely benign for Hereditary cancer-predisposing syndrome. Last evaluated: 2020-12-03. Review status: criteria provided, single submitter. Criteria: Ambry Variant Classification Scheme 2023. Collection method: clinical testing. Allele origin: germline.